The following is an entry in ClinVar:

ClinVar aggregate classification (germline): Conflicting classifications of pathogenicity. Review status: criteria provided, conflicting classifications (1 of 4 stars). 6 submissions from 6 submitters: Uncertain significance (5); Likely benign (1). Last evaluated 2026-02-11.

Conditions:
Colorectal cancer. Also called: Colorectal cancer, somatic; Malignant Colorectal Neoplasm. Identifiers: MedGen C0346629, MONDO:0005575, OMIM 114500.
Hereditary cancer-predisposing syndrome. Also called: Neoplastic Syndromes, Hereditary; Tumor predisposition; Hereditary Cancer Syndrome; Hereditary neoplastic syndrome. Identifiers: Orphanet 140162, MedGen C0027672, MeSH D009386, MONDO:0015356.
Oligodontia-cancer predisposition syndrome. Also called: TOOTH AGENESIS-COLORECTAL CANCER SYNDROME. Identifiers: Orphanet 300576, MedGen C1837750, MONDO:0012075, OMIM 608615. Disease mechanism: loss of function.

Allele frequency attached by ClinVar (database versions not stated): gnomAD 0.00001; TOPMed 0.00001; gnomAD exomes 0.00002.
gnomAD v4.1: 23 of 1,612,228 alleles (0.0014%); highest among the groups gnomAD compares: South Asian, 0.0066%; no homozygotes.

Submissions (6):

St. Jude Molecular Pathology, St. Jude Children's Research Hospital
Classification: Uncertain significance for Oligodontia-cancer predisposition syndrome. Last evaluated: 2026-02-11. Review status: criteria provided, single submitter. Criteria: St. Jude Assertion Criteria 2020. Collection method: clinical testing. Allele origin: germline.
Comment: The AXIN2 c.1780G>A p.(Ala594Thr) change has a maximum subpopulation frequency of 0.0032% in gnomAD v2.1.1. The in silico tool REVEL predicts a benign effect on protein function, but to our knowledge this prediction has not been confirmed by functional studies. To our knowledge, this variant has not been reported in the literature in individuals with oligodontia-cancer predisposition syndrome. In summary, the evidence currently available is insufficient to determine the clinical significance of this variant. It has therefore been classified as of uncertain significance.

Labcorp Genetics (formerly Invitae), Labcorp
Classification: Uncertain significance for Oligodontia-cancer predisposition syndrome. Last evaluated: 2026-01-07. Review status: criteria provided, single submitter. Criteria: Invitae Variant Classification Sherloc (09022015). Collection method: clinical testing. Allele origin: germline.
Comment: This sequence change replaces alanine, which is neutral and non-polar, with threonine, which is neutral and polar, at codon 594 of the AXIN2 protein (p.Ala594Thr). This variant is present in population databases (no rsID available, gnomAD 0.003%). This variant has not been reported in the literature in individuals affected with AXIN2-related conditions. ClinVar contains an entry for this variant (Variation ID: 234273). An algorithm developed to predict the effect of missense changes on protein structure and function outputs the following: PolyPhen-2: "Benign". The threonine amino acid residue is found in multiple mammalian species, which suggests that this missense change does not adversely affect protein function. In summary, the available evidence is currently insufficient to determine the role of this variant in disease. Therefore, it has been classified as a Variant of Uncertain Significance.

Ambry Genetics
Classification: Uncertain significance for Hereditary cancer-predisposing syndrome. Last evaluated: 2025-05-21. Review status: criteria provided, single submitter. Criteria: Ambry Variant Classification Scheme 2023. Collection method: clinical testing. Allele origin: germline.
Comment: The p.A594T variant (also known as c.1780G>A), located in coding exon 6 of the AXIN2 gene, results from a G to A substitution at nucleotide position 1780. The alanine at codon 594 is replaced by threonine, an amino acid with similar properties. This amino acid position is not well conserved in available vertebrate species. In addition, this alteration is predicted to be tolerated by in silico analysis. Since supporting evidence is limited at this time, the clinical significance of this alteration remains unclear.

GeneDx
Classification: Uncertain significance. Last evaluated: 2024-10-11. Review status: criteria provided, single submitter. Criteria: GeneDx Variant Classification Process June 2021. Collection method: clinical testing. Allele origin: germline. Affected: yes.
Comment: Not observed at significant frequency in large population cohorts (gnomAD); In silico analysis indicates that this missense variant does not alter protein structure/function; Observed in individuals with a Lynch syndrome-like phenotype (PMID: 28577310); This variant is associated with the following publications: (PMID: 28577310)

Baylor Genetics
Classification: Uncertain significance for Colorectal cancer. Last evaluated: 2023-11-27. Review status: criteria provided, single submitter. Criteria: ACMG Guidelines, 2015. Collection method: clinical testing. Allele origin: unknown.

Sema4
Classification: Likely benign for Hereditary cancer-predisposing syndrome. Last evaluated: 2020-11-17. Review status: criteria provided, single submitter. Criteria: Sema4 Curation Guidelines. Collection method: curation. Allele origin: germline.

NM_004655.4(AXIN2):c.1780G>A (p.Ala594Thr)

Gene: AXIN2 (axin 2; minus strand). Cytogenetic location: 17q24.1.
Variant type: single nucleotide variant.
Coding change: c.1780G>A on transcript NM_004655.4 (MANE Select); coding-DNA position 1780, G replaced by A.
Protein change: p.Ala594Thr; replaces alanine 594 with threonine.
Molecular consequence: missense variant. On other transcripts: intron variant (1).
Genome position (GRCh38, 1-based): chr17:65,536,996, C>T on the plus strand (G>A on the coding strand, the complement: AXIN2 is on the minus strand). VCF-style: chr17-65536996-C-T. GRCh37 (hg19) VCF-style: chr17-63533114-C-T.
Other names: c.1780G>A (LRG_296t1); c.1712+328G>A (NM_001363813.1); short protein forms A594T.
Identifiers: ClinVar variation 234273 (VCV000234273.21), dbSNP rs876660965, ClinGen allele CA10577572.